The following is an entry in ClinVar:

NM_198503.5(KCNT2):c.2910+7375C>T

Gene: KCNT2 (potassium sodium-activated channel subfamily T member 2; minus strand). Cytogenetic location: 1q31.3.
Variant type: single nucleotide variant.
Coding change: c.2910+7375C>T on transcript NM_198503.5 (MANE Select); 7375 bases into the intron after coding-DNA position 2910, C replaced by T.
Molecular consequence: intron variant. On other transcripts: nonsense (1), non-coding transcript variant (1).
Genome position (GRCh38, 1-based): chr1:196,273,485, G>A on the plus strand (C>T on the coding strand, the complement: KCNT2 is on the minus strand). VCF-style: chr1-196273485-G-A. GRCh37 (hg19) VCF-style: chr1-196242615-G-A.
Other names: c.2692C>T, p.Arg898Ter (NM_001287820.3); c.2838+7375C>T (NM_001287819.3); short protein forms R898*.
Identifiers: ClinVar variation 3075987 (VCV003075987.1), dbSNP rs886920822, ClinGen allele CA35804250.
Genomic context (GRCh38, chr1:196,273,485, plus strand): 5'-ATTACACCATTTGAGGAAAGGGAAACAAACAGAAAATACTTACTTGTGATGCTATTTTTC[G>A]AGACTGACACAACGGGAGGGAAAAAGAAACACACAAAACACAGTTTAAACAATGACTAAA-3'

ClinVar aggregate classification (germline): Likely benign (1 of 4 stars; one submission).

Allele frequency attached by ClinVar (database versions not stated): gnomAD exomes 0.00002; gnomAD 0.00011; TOPMed 0.00011; 1000 Genomes Project 30x 0.00016.
gnomAD v4.1: 48 of 1,530,256 alleles (0.0031%); highest among the groups gnomAD compares: African/African-American, 0.032%; no homozygotes.

Submission:

Laboratory for Molecular Medicine, Mass General Brigham Personalized Medicine
Classification: Likely benign. Last evaluated: 2024-03-29. Review status: criteria provided, single submitter. Criteria: ACMG Guidelines, 2015. Collection method: clinical testing. Allele origin: germline.
Comment: The p.Arg898X variant in KCNT2 is classified as likely benign because it has been identified in 0.03% (23/72874) of African/African American chromosomes by gnomAD (v.4.0.0). In addition, this variant is in an exon that is not well-expressed and not present in many alternative transcripts, particularly the ones that are predominantly expressed. ACMG/AMP Criteria applied: BS1.